The following is an entry in ClinVar:

ClinVar aggregate classification (germline): Uncertain significance (1 of 4 stars; one submission).

Conditions:
Inborn genetic diseases. Identifiers: MedGen C0950123, MeSH D030342.

Submission:

Ambry Genetics
Classification: Uncertain significance for Inborn genetic diseases. Last evaluated: 2026-02-28. Review status: criteria provided, single submitter. Criteria: Ambry Variant Classification Scheme 2023. Collection method: clinical testing. Allele origin: germline.
Comment: The p.K867T variant (also known as c.2600A>C), located in coding exon 14 of the FANCM gene, results from an A to C substitution at nucleotide position 2600. The lysine at codon 867 is replaced by threonine, an amino acid with similar properties. This amino acid position is conserved. In addition, this alteration is predicted to be tolerated by in silico analysis. Based on the available evidence, the clinical significance of this variant remains unclear.

NM_020937.4(FANCM):c.2600A>C (p.Lys867Thr)

Gene: FANCM (FA complementation group M; plus strand). Cytogenetic location: 14q21.2.
Variant type: single nucleotide variant.
Coding change: c.2600A>C on transcript NM_020937.4 (MANE Select); coding-DNA position 2600, A replaced by C.
Protein change: p.Lys867Thr; replaces lysine 867 with threonine.
Molecular consequence: missense variant.
Genome position (GRCh38, 1-based): chr14:45,175,354, A>C. VCF-style: chr14-45175354-A-C. GRCh37 (hg19) VCF-style: chr14-45644557-A-C.
Other names: c.2522A>C, p.Lys841Thr (NM_001308133.2); short protein forms K841T, K867T.
Identifiers: ClinVar variation 4826005 (VCV004826005.1).